The following is an entry in ClinVar:

NM_000138.5(FBN1):c.7039_7040del (p.Met2347fs)

Gene: FBN1 (fibrillin 1; minus strand). Cytogenetic location: 15q21.1.
Variant type: Deletion.
Coding change: c.7039_7040del on transcript NM_000138.5 (MANE Select); coding-DNA positions 7039 to 7040, 2 bases deleted (AT; older notation c.7039_7040delAT).
Protein change: p.Met2347fs; shifts the reading frame from methionine 2347.
Molecular consequence: frameshift variant.
Genome position (GRCh38, 1-based): chr15:48,427,731-48,427,732, AT deleted on the plus strand (AT on the coding strand, the reverse complement: FBN1 is on the minus strand). VCF-style (leftmost placement, unchanged base first): chr15-48427730-CAT-C. GRCh37 (hg19) VCF-style: chr15-48719927-CAT-C.
Other names: c.7039_7040delAT (NM_000138.5, NM_000138.4).
Identifiers: ClinVar variation 200171 (VCV000200171.44), dbSNP rs794728319, ClinGen allele CA016944.
Genomic context (GRCh38, chr15:48,427,730, plus strand): 5'-TCCGTCACAGCAGCATTCCGATTTGGTGACGGGGTTCCTGTTGCTGGAGCCGATCTGACA[CAT>C]GTTTTGTAGCACCTCTGTGAAGCAGTACCCTTCCCGATTGTCTGGAAGGGACATTATATG-3'

ClinVar aggregate classification (germline): Pathogenic. Review status: criteria provided, multiple submitters, no conflicts (2 of 4 stars). 19 submissions from 18 submitters: Pathogenic (15). 4 of the submissions do not count toward it. Last evaluated 2025-09-07.

Conditions:
Acute aortic dissection. Identifiers: MedGen C0241868.
Congenital aneurysm of ascending aorta (AAT1). Also called: AORTIC ANEURYSM, FAMILIAL THORACIC 1; ANNULOAORTIC ECTASIA; Aortic aneurysm, thoracic; Familial thoracic aortic aneurysm. Identifiers: Orphanet 229, MedGen C0345050, MONDO:0024559, OMIM 607086.
Marfan Syndrome/Loeys-Dietz Syndrome/Familial Thoracic Aortic Aneurysms and Dissections. Identifiers: MedGen CN229799.
Marfan syndrome (MFS). Also called: MARFAN SYNDROME, TYPE I; FBN1-Related Marfan Syndrome; Marfan syndrome, classic; Marfan syndrome type 1; Marfan's syndrome. Identifiers: Orphanet 284963, Orphanet 558, MedGen C0024796, MONDO:0007947, OMIM 154700.
Familial thoracic aortic aneurysm and aortic dissection (TAAD). Also called: Thoracic aortic aneurysms and dissections. Identifiers: Orphanet 91387, MedGen C4707243, MONDO:0019625.
Weill-Marchesani syndrome 2, dominant. Also called: FBN1-Related Weill-Marchesani Syndrome; Weill-Marchesani Syndrome, Autosomal Dominant. Identifiers: Orphanet 2084, MedGen C1869115, MONDO:0012013, OMIM 608328.
FBN1-related disorder. Also called: FBN1-related disorders.

Submissions 1 to 14 of 19:

Labcorp Genetics (formerly Invitae), Labcorp
Classification: Pathogenic for Marfan syndrome; Familial thoracic aortic aneurysm and aortic dissection. Last evaluated: 2025-09-07. Review status: criteria provided, single submitter. Criteria: Invitae Variant Classification Sherloc (09022015). Collection method: clinical testing. Allele origin: germline.
Comment: This sequence change creates a premature translational stop signal (p.Met2347Valfs*19) in the FBN1 gene. It is expected to result in an absent or disrupted protein product. Loss-of-function variants in FBN1 are known to be pathogenic (PMID: 17657824, 19293843). This variant is not present in population databases (gnomAD no frequency). This premature translational stop signal has been observed in individuals with Marfan syndrome (PMID: 11826022, 17627385, 19618372, 26272055, 26621581). ClinVar contains an entry for this variant (Variation ID: 200171). For these reasons, this variant has been classified as Pathogenic.

Blueprint Genetics
Classification: Pathogenic for FBN1-related disorders. Last evaluated: 2024-05-14. Review status: criteria provided, single submitter. Criteria: ACMG Guidelines, 2015. Collection method: clinical testing. Allele origin: germline. Affected: yes. Observed: 2 variant alleles.

Ambry Genetics
Classification: Pathogenic for Familial thoracic aortic aneurysm and aortic dissection. Last evaluated: 2022-07-07. Review status: criteria provided, single submitter. Criteria: Ambry Variant Classification Scheme 2023. Collection method: clinical testing. Allele origin: germline.
Comment: The c.7039_7040delAT pathogenic mutation, located in coding exon 57 of the FBN1 gene, results from a deletion of two nucleotides at nucleotide positions 7039 to 7040, causing a translational frameshift with a predicted alternate stop codon (p.M2347Vfs*19). This alteration has been described in multiple individuals with Marfan syndrome or related phenotypes (K&ouml;rkk&ouml; J et al. J Med Genet. 2002 ;39:34-41; Howarth R et al. Genet Test. 2007;11:146-52; Comeglio P et al. Hum Mutat. 2007;28:928; Attanasio M et al. Clin Genet. 2008 ;74:39-46; Magyar I et al. Hum Mutat. 2009;30:1355-64; Yoo EH et al. Clin Genet. 2010;77:177-82; Regalado ES et al. Clin Genet. 2016 ;89:719-23; Guo J et al. Sci Rep. 2015;5:13115; Somers AE et al. Am J Med Genet A. 2016;170:1786-90). This variant is considered to be rare based on population cohorts in the Genome Aggregation Database (gnomAD). In addition, this alteration is expected to result in loss of function by premature protein truncation or nonsense-mediated mRNA decay. As such, this alteration is interpreted as a disease-causing mutation.

GeneDx
Classification: Pathogenic. Last evaluated: 2022-04-29. Review status: criteria provided, single submitter. Criteria: GeneDx Variant Classification Process June 2021. Collection method: clinical testing. Allele origin: germline. Affected: yes.
Comment: Not observed at significant frequency in large population cohorts (gnomAD); Frameshift variant predicted to result in protein truncation or nonsense mediated decay in a gene for which loss-of-function is a known mechanism of disease; This variant is associated with the following publications: (PMID: 29357934, 11826022, 25101912, 27112580, 17627385, 19863550, 26272055, 17657824, 19618372, 18435798, 29543232, 33436942, 32679894, 34008892, 26621581)

Centre of Medical Genetics, University Hospital Muenster
Classification: Pathogenic for Marfan syndrome. Last evaluated: 2021-12-20. Review status: criteria provided, single submitter. Criteria: ACMG Guidelines, 2015. Collection method: clinical testing. Allele origin: unknown. Affected: yes. Observed: 1 variant allele, 1 heterozygote.
Comment: ACMG categories: PVS1,PP3,PP5

3billion
Classification: Pathogenic for Weill-Marchesani syndrome 2, dominant. Last evaluated: 2021-10-02. Review status: criteria provided, single submitter. Criteria: ACMG Guidelines, 2015. Collection method: clinical testing. Allele origin: germline. Affected: yes. Observed: 1 heterozygote.
Comment: Frameshift: predicted to result in a loss or disruption of normal protein function through nonsense-mediated decay (NMD) or protein truncation. Multiple pathogenic variants are reported downstream of the variant (PVS1_VS). The variant was observed as assumed (i.e. paternity and maternity not confirmed) de novoo (3billion dataset, PM6). It is not observed in the gnomAD v2.1.1 dataset (PM2). The variant has been reported multiple times as an established pathogenic variant (ClinVar ID: VCV000200171.11). Therefore, this variant is classified as pathogenic according to the recommendation of ACMG/AMP guideline.

Centre of Medical Genetics, University of Antwerp
Classification: Pathogenic for Marfan syndrome. Last evaluated: 2021-03-01. Review status: criteria provided, single submitter. Criteria: Submitter's publication. Collection method: research. Allele origin: unknown. Affected: yes. Observed: 5 variant alleles.
Comment: PM2, PVS1, PP4 or PM2, PVS1, PP1, PP4

Laboratoire Génétique Moléculaire, CHRU TOURS
Classification: Pathogenic. Last evaluated: 2020-09-23. Review status: criteria provided, single submitter. Criteria: ACMG Guidelines, 2015. Collection method: clinical testing. Allele origin: paternal. Affected: yes.

CHEO Genetics Diagnostic Laboratory, Children's Hospital of Eastern Ontario
Classification: Pathogenic for Familial thoracic aortic aneurysm and aortic dissection. Last evaluated: 2020-05-14. Review status: criteria provided, single submitter. Criteria: ACMG Guidelines, 2015. Collection method: clinical testing. Allele origin: germline.

Women's Health and Genetics/Laboratory Corporation of America, LabCorp
Classification: Pathogenic for Marfan Syndrome/Loeys-Dietz Syndrome/Familial Thoracic Aortic Aneurysms and Dissections. Last evaluated: 2019-02-25. Review status: criteria provided, single submitter. Criteria: LabCorp Variant Classification Summary - May 2015. Collection method: clinical testing. Allele origin: germline.
Comment: Variant summary: FBN1 c.7039_7040delAT (p.Met2347ValfsX19) results in a premature termination codon, predicted to cause a truncation of the encoded protein or absence of the protein due to nonsense mediated decay, which are commonly known mechanisms for disease. The variant was absent in 245612 control chromosomes (gnomAD). c.7039_7040delAT has been reported in the literature in multiple individuals affected with Marfan Syndrome (Korkko_2002, Attanasio_2008, Comeglio_2007, Yoo_2010, Baudhuin_2015). These data indicate that the variant is very likely to be associated with disease. To our knowledge, no experimental evidence demonstrating an impact on protein function has been reported. Eight ClinVar submissions from clinical diagnostic laboratories (evaluation after 2014) cite the variant as likely pathogenic/pathogenic. Based on the evidence outlined above, the variant was classified as pathogenic.

Laboratory of Medical Genetics, National & Kapodistrian University of Athens
Classification: Pathogenic for Marfan syndrome. Last evaluated: 2018-01-04. Review status: criteria provided, single submitter. Criteria: ACMG Guidelines, 2015. Collection method: clinical testing. Allele origin: de novo. Affected: yes.
Comment: PVS1, PM2, PP5

ARUP Laboratories, Molecular Genetics and Genomics, ARUP Laboratories
Classification: Pathogenic. Last evaluated: 2017-09-16. Review status: criteria provided, single submitter. Criteria: ARUP Molecular Germline Variant Investigation Process. Collection method: clinical testing. Allele origin: germline.

Center for Human Genetics, Inc
Classification: Pathogenic for Marfan syndrome. Last evaluated: 2016-11-01. Review status: criteria provided, single submitter. Criteria: ACMG Guidelines, 2015. Collection method: clinical testing. Allele origin: germline. Affected: yes.

Juno Genomics, Hangzhou Juno Genomics, Inc
Classification: Pathogenic for Marfan syndrome. Review status: criteria provided, single submitter. Criteria: ACMG Guidelines, 2015. Collection method: clinical testing. Allele origin: germline. Affected: yes.
Comment: Absent from controls (or at extremely low frequency if recessive) in Genome Aggregation Database, Exome Sequencing Project, 1000 Genomes Project, or Exome Aggregation Consortium.;Null variant in a gene where loss of function (LOF) is a known mechanism of disease.;The prevalence of the variant in affected individuals is significantly increased compared to the prevalence in controls.